The following is an entry in ClinVar:

NM_004320.6(ATP2A1):c.836T>C (p.Phe279Ser)

Gene: ATP2A1 (ATPase sarcoplasmic/endoplasmic reticulum Ca2+ transporting 1; plus strand). Cytogenetic location: 16p11.2.
Variant type: single nucleotide variant.
Coding change: c.836T>C on transcript NM_004320.6 (MANE Select); coding-DNA position 836, T replaced by C.
Protein change: p.Phe279Ser; replaces phenylalanine 279 with serine.
Molecular consequence: missense variant.
Genome position (GRCh38, 1-based): chr16:28,887,630, T>C. VCF-style: chr16-28887630-T-C. GRCh37 (hg19) VCF-style: chr16-28898951-T-C.
Other names: c.461T>C, p.Phe154Ser (NM_001286075.2); c.836T>C, p.Phe279Ser (NM_173201.5); short protein forms F154S, F279S.
Identifiers: ClinVar variation 2117435 (VCV002117435.4), dbSNP rs1478194916, ClinGen allele CA395404067.

ClinVar aggregate classification (germline): Uncertain significance (1 of 4 stars; one submission).

Conditions:
Brody myopathy. Also called: BRODY DISEASE. Identifiers: Orphanet 53347, MedGen C1832918, MONDO:0010977, OMIM 601003.

Allele frequency attached by ClinVar (database versions not stated): TOPMed below 0.00001; gnomAD 0.00001.
gnomAD v4.1: 1 of 1,614,020 alleles (0.000062%); highest among the groups gnomAD compares: Non-Finnish European, 0.000085%; no homozygotes.

Submission:

Labcorp Genetics (formerly Invitae), Labcorp
Classification: Uncertain significance for Brody myopathy. Last evaluated: 2022-03-26. Review status: criteria provided, single submitter. Criteria: Invitae Variant Classification Sherloc (09022015). Collection method: clinical testing. Allele origin: germline.
Comment: In summary, the available evidence is currently insufficient to determine the role of this variant in disease. Therefore, it has been classified as a Variant of Uncertain Significance. Algorithms developed to predict the effect of missense changes on protein structure and function are either unavailable or do not agree on the potential impact of this missense change (SIFT: "Deleterious"; PolyPhen-2: "Probably Damaging"; Align-GVGD: "Class C0"). This variant has not been reported in the literature in individuals affected with ATP2A1-related conditions. This variant is present in population databases (no rsID available, gnomAD 0.007%). This sequence change replaces phenylalanine, which is neutral and non-polar, with serine, which is neutral and polar, at codon 279 of the ATP2A1 protein (p.Phe279Ser).